The following is an entry in ClinVar:

ClinVar aggregate classification (germline): Uncertain significance. Review status: criteria provided, multiple submitters, no conflicts (2 of 4 stars). 3 submissions from 3 submitters: Uncertain significance (3). Last evaluated 2025-03-03.

Conditions:
Familial focal epilepsy with variable foci (FPEVF). Identifiers: Orphanet 98820, MedGen C1858477, MONDO:0020310.

Allele frequency attached by ClinVar (database versions not stated): TOPMed below 0.00001; gnomAD 0.00001.

Submissions (3):

Labcorp Genetics (formerly Invitae), Labcorp
Classification: Uncertain significance for Familial focal epilepsy with variable foci. Last evaluated: 2025-03-03. Review status: criteria provided, single submitter. Criteria: Invitae Variant Classification Sherloc (09022015). Collection method: clinical testing. Allele origin: germline.
Comment: This sequence change replaces aspartic acid, which is acidic and polar, with glycine, which is neutral and non-polar, at codon 318 of the DEPDC5 protein (p.Asp318Gly). This variant is present in population databases (no rsID available, gnomAD 0.01%). This variant has not been reported in the literature in individuals affected with DEPDC5-related conditions. ClinVar contains an entry for this variant (Variation ID: 421385). Experimental studies and prediction algorithms are not available or were not evaluated, and the functional significance of this variant is currently unknown. In summary, the available evidence is currently insufficient to determine the role of this variant in disease. Therefore, it has been classified as a Variant of Uncertain Significance.

Blueprint Genetics
Classification: Uncertain significance. Last evaluated: 2023-08-28. Review status: criteria provided, single submitter. Criteria: ACMG Guidelines, 2015. Collection method: clinical testing. Allele origin: germline.

GeneDx
Classification: Uncertain significance. Last evaluated: 2016-06-02. Review status: criteria provided, single submitter. Criteria: GeneDx Variant Classification (06012015). Collection method: clinical testing. Allele origin: germline. Affected: yes.
Comment: The D318G variant in the DEPDC5 gene has not been reported previously as a pathogenic variant, nor as a benign variant, to our knowledge. The D318G variant was not observed in approximately 6000 individuals of European and African American ancestry in the NHLBI Exome Sequencing Project, indicating it is not a common benign variant in these populations. The D318G variant is a non-conservative amino acid substitution, which occurs at a position that is conserved across species. In silico analysis predicts this variant is probably damaging to the protein structure/function. As an alternate mechanism, multiple in silico algorithms predict that c.953 A>G (aka p.D318G) might create a cryptic donor site in exon 15 which may supplant the natural donor site. However, in the absence of RNA/functional studies, the actual effect of c.953 A>G is unknown.

NM_001242896.3(DEPDC5):c.953A>G (p.Asp318Gly)

Gene: DEPDC5 (DEP domain containing 5, GATOR1 subcomplex subunit; plus strand). Cytogenetic location: 22q12.3.
Variant type: single nucleotide variant.
Coding change: c.953A>G on transcript NM_001242896.3 (MANE Select); coding-DNA position 953, A replaced by G.
Protein change: p.Asp318Gly; replaces aspartic acid 318 with glycine.
Molecular consequence: missense variant. On other transcripts: non-coding transcript variant (5).
Genome position (GRCh38, 1-based): chr22:31,802,710, A>G. VCF-style: chr22-31802710-A-G. GRCh37 (hg19) VCF-style: chr22-32198696-A-G.
Other names: c.953A>G, p.Asp318Gly (NM_001007188.4, NM_001136029.4, NM_001242897.2 and 7 more transcripts); c.869A>G, p.Asp290Gly (NM_001369901.1, NM_001369902.1); short protein forms D318G, D290G.
Identifiers: ClinVar variation 421385 (VCV000421385.12), dbSNP rs1064795102, ClinGen allele CA16621102.